The following is an entry in ClinVar:

NM_001374828.1(ARID1B):c.517_531del (p.Ala173_His177del)

Genes: ARID1B (AT-rich interaction domain 1B; plus strand), LOC115308161 (uncharacterized LOC115308161; minus strand). Cytogenetic location: 6q25.3.
Variant type: Deletion.
Coding change: c.517_531del on transcript NM_001374828.1 (MANE Select); coding-DNA positions 517 to 531, 15 bases deleted (GCCCACCACCACCAC).
Protein change: p.Ala173_His177del.
Molecular consequence: inframe deletion. On other transcripts: inframe indel (3).
Genome position (GRCh38, 1-based): chr6:156,778,197-156,778,211, GCCCACCACCACCAC deleted. VCF-style (leftmost placement, unchanged base first): chr6-156778196-TGCCCACCACCACCAC-T. GRCh37 (hg19) VCF-style: chr6-157099330-TGCCCACCACCACCAC-T.
Other names: c.268_282delGCCCACCACCACCAC, p.Ala90_His94del (NM_001346813.1, NM_020732.3); c.517_531del, p.Ala173_His177del (NM_001371656.1, NM_001374820.1, NM_017519.3); c.94_108delGCCCACCACCACCAC, p.Ala32_His36del (NM_175863.2).
Identifiers: ClinVar variation 2019485 (VCV002019485.4), dbSNP rs2546820468, ClinGen allele CA2580075252.

ClinVar aggregate classification (germline): Uncertain significance (1 of 4 stars; one submission).

Submission:

Labcorp Genetics (formerly Invitae), Labcorp
Classification: Uncertain significance. Last evaluated: 2022-10-17. Review status: criteria provided, single submitter. Criteria: Invitae Variant Classification Sherloc (09022015). Collection method: clinical testing. Allele origin: germline.
Comment: In summary, the available evidence is currently insufficient to determine the role of this variant in disease. Therefore, it has been classified as a Variant of Uncertain Significance. This variant, c.268_282del, results in the deletion of 5 amino acid(s) of the ARID1B protein (p.Ala90_His94del), but otherwise preserves the integrity of the reading frame. This variant is not present in population databases (gnomAD no frequency). This variant has not been reported in the literature in individuals affected with ARID1B-related conditions. Experimental studies and prediction algorithms are not available or were not evaluated, and the functional significance of this variant is currently unknown.